The following is an entry in ClinVar:

ClinVar aggregate classification (germline): Pathogenic (1 of 4 stars; one submission).

Submission:

GeneDx
Classification: Pathogenic. Last evaluated: 2026-03-25. Review status: criteria provided, single submitter. Criteria: GeneDx Variant Classification Process June 2021. Collection method: clinical testing. Allele origin: germline.
Comment: Nonsense variant predicted to result in protein truncation or nonsense mediated decay in a gene for which loss of function is a known mechanism of disease; Not observed at significant frequency in large population cohorts (gnomAD); Has not been previously published as pathogenic or benign to our knowledge

NM_005909.5(MAP1B):c.3235C>T (p.Arg1079Ter)

Gene: MAP1B (microtubule associated protein 1B; plus strand). Cytogenetic location: 5q13.2.
Variant type: single nucleotide variant.
Coding change: c.3235C>T on transcript NM_005909.5 (MANE Select); coding-DNA position 3235, C replaced by T.
Protein change: p.Arg1079Ter; replaces arginine 1079 with a stop codon.
Molecular consequence: nonsense.
Genome position (GRCh38, 1-based): chr5:72,196,590, C>T. VCF-style: chr5-72196590-C-T. GRCh37 (hg19) VCF-style: chr5-71492417-C-T.
Other names: c.2857C>T, p.Arg953Ter (NM_001324255.2); short protein forms R1079*, R953*.
Identifiers: ClinVar variation 5016808 (VCV005016808.1).